The following is an entry in ClinVar:

NM_017636.4(TRPM4):c.2255A>G (p.Gln752Arg)

Gene: TRPM4 (transient receptor potential cation channel subfamily M member 4; plus strand). Cytogenetic location: 19q13.33.
Variant type: single nucleotide variant.
Coding change: c.2255A>G on transcript NM_017636.4 (MANE Select); coding-DNA position 2255, A replaced by G.
Protein change: p.Gln752Arg; replaces glutamine 752 with arginine.
Molecular consequence: missense variant. On other transcripts: intron variant (1).
Genome position (GRCh38, 1-based): chr19:49,196,484, A>G. VCF-style: chr19-49196484-A-G. GRCh37 (hg19) VCF-style: chr19-49699741-A-G.
Other names: c.1910A>G, p.Gln637Arg (NM_001321281.2); c.647A>G, p.Gln216Arg (NM_001321282.2); c.1733A>G, p.Gln578Arg (NM_001321283.2); c.1193A>G, p.Gln398Arg (NM_001321285.2); c.2211-3816A>G (NM_001195227.2); short protein forms Q578R, Q637R, Q398R, Q752R, Q216R.
Identifiers: ClinVar variation 4736305 (VCV004736305.1).

ClinVar aggregate classification (germline): Uncertain significance (1 of 4 stars; one submission).

Conditions:
Progressive familial heart block type IB (PFHB1B). Identifiers: Orphanet 871, MedGen C1970298, MONDO:0011474, OMIM 604559.

Submission:

Labcorp Genetics (formerly Invitae), Labcorp
Classification: Uncertain significance for Progressive familial heart block type IB. Last evaluated: 2026-02-02. Review status: criteria provided, single submitter. Criteria: Invitae Variant Classification Sherloc (09022015). Collection method: clinical testing. Allele origin: germline.
Comment: This sequence change replaces glutamine, which is neutral and polar, with arginine, which is basic and polar, at codon 752 of the TRPM4 protein (p.Gln752Arg). This variant is not present in population databases (gnomAD no frequency). This variant has not been reported in the literature in individuals affected with TRPM4-related conditions. An algorithm developed to predict the effect of missense changes on protein structure and function outputs the following: PolyPhen-2: "Benign". The arginine amino acid residue is found in multiple mammalian species, which suggests that this missense change does not adversely affect protein function. In summary, the available evidence is currently insufficient to determine the role of this variant in disease. Therefore, it has been classified as a Variant of Uncertain Significance.